The following is an entry in ClinVar:

NM_023036.6(DNAI2):c.15C>A (p.Tyr5Ter)

Gene: DNAI2 (dynein axonemal intermediate chain 2; plus strand). Cytogenetic location: 17q25.1.
Variant type: single nucleotide variant.
Coding change: c.15C>A on transcript NM_023036.6 (MANE Select); coding-DNA position 15, C replaced by A.
Protein change: p.Tyr5Ter; replaces tyrosine 5 with a stop codon.
Molecular consequence: nonsense. On other transcripts: non-coding transcript variant (1).
Genome position (GRCh38, 1-based): chr17:74,281,832, C>A. VCF-style: chr17-74281832-C-A. GRCh37 (hg19) VCF-style: chr17-72277971-C-A.
Other names: c.15C>A, p.Tyr5Ter (NM_001172810.3, NM_001353167.2); short protein forms Y5*.
Identifiers: ClinVar variation 2756528 (VCV002756528.4), dbSNP rs760845605, ClinGen allele CA400911579.

ClinVar aggregate classification (germline): Pathogenic. Review status: criteria provided, multiple submitters, no conflicts (2 of 4 stars). 2 submissions from 2 submitters: Pathogenic (2). Last evaluated 2025-08-11.

Conditions:
Primary ciliary dyskinesia 9. Also called: CILIARY DYSKINESIA, PRIMARY, 9, WITH OR WITHOUT SITUS INVERSUS. Identifiers: Orphanet 244, MedGen C2676235, MONDO:0012906, OMIM 612444.
Primary ciliary dyskinesia. Also called: Ciliary dyskinesia. Identifiers: Orphanet 244, MedGen C0008780, MONDO:0016575, HP:0012265.

Submissions (2):

Myriad Genetics, Inc.
Classification: Pathogenic for Primary ciliary dyskinesia 9. Last evaluated: 2025-08-11. Review status: criteria provided, single submitter. Criteria: Myriad Autosomal Dominant, Autosomal Recessive and X-Linked Classification Criteria (2023). Collection method: clinical testing. Allele origin: unknown.
Comment: NM_023036.4(DNAI2):c.15C>A(Y5*) is a nonsense variant classified as pathogenic in the context of primary ciliary dyskinesia, DNAI2-related. Y5* has not been observed in cases with relevant disease. Relevant functional assessments of this variant are not available in the literature. Y5* has not been observed in referenced population frequency databases. In summary, NM_023036.4(DNAI2):c.15C>A(Y5*) is a nonsense variant in a gene where loss of function is a known mechanism of disease and is predicted to disrupt protein function. Please note: this variant was assessed in the context of healthy population screening.

Labcorp Genetics (formerly Invitae), Labcorp
Classification: Pathogenic for Primary ciliary dyskinesia. Last evaluated: 2023-08-30. Review status: criteria provided, single submitter. Criteria: Invitae Variant Classification Sherloc (09022015). Collection method: clinical testing. Allele origin: germline.
Comment: For these reasons, this variant has been classified as Pathogenic. This variant has not been reported in the literature in individuals affected with DNAI2-related conditions. This variant is not present in population databases (gnomAD no frequency). This sequence change creates a premature translational stop signal (p.Tyr5*) in the DNAI2 gene. It is expected to result in an absent or disrupted protein product. Loss-of-function variants in DNAI2 are known to be pathogenic (PMID: 18950741, 23891469).

Literature cited by the submitters: PubMed 18950741 (cited by Labcorp Genetics (formerly Invitae), Labcorp); PubMed 23891469 (cited by Labcorp Genetics (formerly Invitae), Labcorp).